The following is an entry in ClinVar:

NM_003998.4(NFKB1):c.39A>G (p.Gln13=)

Gene: NFKB1 (nuclear factor kappa B subunit 1; plus strand). Cytogenetic location: 4q24.
Variant type: single nucleotide variant.
Coding change: c.39A>G on transcript NM_003998.4 (MANE Select); coding-DNA position 39, A replaced by G.
Protein change: p.Gln13=; no amino-acid change (glutamine 13 retained).
Molecular consequence: synonymous variant. On other transcripts: intron variant (1).
Genome position (GRCh38, 1-based): chr4:102,525,557, A>G. VCF-style: chr4-102525557-A-G. GRCh37 (hg19) VCF-style: chr4-103446714-A-G.
Other names: c.39A>G, p.Gln13= (NM_001165412.2, NM_001319226.2, NM_001382625.1 and 2 more transcripts); c.1-4279A>G (NM_001382628.1).
Identifiers: ClinVar variation 2983377 (VCV002983377.3), dbSNP rs746175553, ClinGen allele CA3025777.
Genomic context (GRCh38, chr4:102,525,557, plus strand): 5'-TGTTTTAATACACAGCTTCAGAATGGCAGAAGATGATCCATATTTGGGAAGGCCTGAACA[A>G]GTAAGTGTCATAATCTCACTGATAACTTTATTTAAATATATTCATATTTCAAAAATATGC-3'
Protein context (NP_003989.2, residues 3-23): EDDPYLGRPE[Gln13=]MFHLDPSLTH

ClinVar aggregate classification (germline): Uncertain significance (1 of 4 stars; one submission).

Allele frequency attached by ClinVar (database versions not stated): ExAC 0.00002.
gnomAD v4.1: 5 of 1,612,270 alleles (0.00031%); highest among the groups gnomAD compares: East Asian, 0.0089%; no homozygotes.

Submission:

Labcorp Genetics (formerly Invitae), Labcorp
Classification: Uncertain significance. Last evaluated: 2023-08-04. Review status: criteria provided, single submitter. Criteria: Invitae Variant Classification Sherloc (09022015). Collection method: clinical testing. Allele origin: germline.
Comment: This sequence change affects codon 13 of the NFKB1 mRNA. It is a 'silent' change, meaning that it does not change the encoded amino acid sequence of the NFKB1 protein. It affects a nucleotide within the consensus splice site. This variant is present in population databases (rs746175553, gnomAD 0.02%). This variant has not been reported in the literature in individuals affected with NFKB1-related conditions. Algorithms developed to predict the effect of sequence changes on RNA splicing suggest that this variant is not likely to affect RNA splicing. In summary, the available evidence is currently insufficient to determine the role of this variant in disease. Therefore, it has been classified as a Variant of Uncertain Significance.